The following is an entry in ClinVar:

ClinVar aggregate classification (germline): Uncertain significance (1 of 4 stars; one submission).

Allele frequency attached by ClinVar (database versions not stated): gnomAD exomes below 0.00001.
gnomAD v4.1: 4 of 1,613,004 alleles (0.00025%); highest among the groups gnomAD compares: Non-Finnish European, 0.00025%; no homozygotes.

Submission:

Labcorp Genetics (formerly Invitae), Labcorp
Classification: Uncertain significance. Last evaluated: 2022-03-10. Review status: criteria provided, single submitter. Criteria: Invitae Variant Classification Sherloc (09022015). Collection method: clinical testing. Allele origin: germline.
Comment: This sequence change replaces valine, which is neutral and non-polar, with aspartic acid, which is acidic and polar, at codon 1639 of the USH2A protein (p.Val1639Asp). This variant is not present in population databases (gnomAD no frequency). This variant has not been reported in the literature in individuals affected with USH2A-related conditions. Algorithms developed to predict the effect of missense changes on protein structure and function (SIFT, PolyPhen-2, Align-GVGD) all suggest that this variant is likely to be disruptive. In summary, the available evidence is currently insufficient to determine the role of this variant in disease. Therefore, it has been classified as a Variant of Uncertain Significance.

NM_206933.4(USH2A):c.4916T>A (p.Val1639Asp)

Genes: USH2A (usherin; minus strand), USH2A-AS2 (USH2A antisense RNA 2; plus strand). Cytogenetic location: 1q41.
Variant type: single nucleotide variant.
Coding change: c.4916T>A on transcript NM_206933.4 (MANE Select); coding-DNA position 4916, T replaced by A.
Protein change: p.Val1639Asp; replaces valine 1639 with aspartic acid.
Molecular consequence: missense variant. On other transcripts: non-coding transcript variant (2).
Genome position (GRCh38, 1-based): chr1:216,086,790, A>T on the plus strand (T>A on the coding strand, the complement: USH2A is on the minus strand). VCF-style: chr1-216086790-A-T. GRCh37 (hg19) VCF-style: chr1-216260132-A-T.
Other names: short protein forms V1639D.
Identifiers: ClinVar variation 2167189 (VCV002167189.1), dbSNP rs1558251728, ClinGen allele CA344859916.